The following is an entry in ClinVar:

ClinVar aggregate classification (germline): Pathogenic (3 of 4 stars; one submission).

Conditions:
Lynch syndrome. Identifiers: Orphanet 144, MedGen C4552100, MONDO:0005835. Disease mechanism: loss of function.

Allele frequency attached by ClinVar (database versions not stated): gnomAD exomes below 0.00001.
gnomAD v4.1: 1 of 1,614,044 alleles (0.000062%); highest among the groups gnomAD compares: African/African-American, 0.0013%; no homozygotes.

Submission:

International Society for Gastrointestinal Hereditary Tumours (InSiGHT)
Classification: Pathogenic for Lynch syndrome. Last evaluated: 2018-12-19. Review status: reviewed by expert panel. Criteria: Guidelines v2.4. Collection method: curation. Allele origin: germline. Affected: yes.
Comment: Multifactorial likelihood analysis posterior probability > 0.99 (1.000)

NM_000179.3(MSH6):c.1439T>A (p.Val480Glu)

Gene: MSH6 (mutS homolog 6; plus strand). Cytogenetic location: 2p16.3.
Variant type: single nucleotide variant.
Coding change: c.1439T>A on transcript NM_000179.3 (MANE Select); coding-DNA position 1439, T replaced by A.
Protein change: p.Val480Glu; replaces valine 480 with glutamic acid.
Molecular consequence: missense variant.
Genome position (GRCh38, 1-based): chr2:47,799,422, T>A. VCF-style: chr2-47799422-T-A. GRCh37 (hg19) VCF-style: chr2-48026561-T-A.
Other names: c.1049T>A, p.Val350Glu (NM_001281492.2); c.533T>A, p.Val178Glu (NM_001281493.2, NM_001281494.2); short protein forms V480E, V178E, V350E.
Identifiers: ClinVar variation 633495 (VCV000633495.1), dbSNP rs1244531716, ClinGen allele CA346745598.